The following is an entry in ClinVar:

NM_015896.4(ZMYND10):c.159C>A (p.Ser53Arg)

Gene: ZMYND10 (zinc finger MYND-type containing 10; minus strand). Cytogenetic location: 3p21.31.
Variant type: single nucleotide variant.
Coding change: c.159C>A on transcript NM_015896.4 (MANE Select); coding-DNA position 159, C replaced by A.
Protein change: p.Ser53Arg; replaces serine 53 with arginine.
Molecular consequence: missense variant.
Genome position (GRCh38, 1-based): chr3:50,345,166, G>T on the plus strand (C>A on the coding strand, the complement: ZMYND10 is on the minus strand). VCF-style: chr3-50345166-G-T. GRCh37 (hg19) VCF-style: chr3-50382597-G-T.
Other names: c.159C>A, p.Ser53Arg (NM_001308379.2); short protein forms S53R.
Identifiers: ClinVar variation 836726 (VCV000836726.2), dbSNP rs1703505766, ClinGen allele CA352945565.

ClinVar aggregate classification (germline): Uncertain significance (1 of 4 stars; one submission).

Conditions:
Primary ciliary dyskinesia. Also called: Ciliary dyskinesia. Identifiers: Orphanet 244, MedGen C0008780, MONDO:0016575, HP:0012265.

Allele frequency attached by ClinVar (database versions not stated): gnomAD exomes below 0.00001.
gnomAD v4.1: 2 of 1,614,064 alleles (0.00012%); highest among the groups gnomAD compares: Admixed American, 0.0033%; no homozygotes.

Submission:

Labcorp Genetics (formerly Invitae), Labcorp
Classification: Uncertain significance for Primary ciliary dyskinesia. Last evaluated: 2019-02-04. Review status: criteria provided, single submitter. Criteria: Invitae Variant Classification Sherloc (09022015). Collection method: clinical testing. Allele origin: germline.
Comment: This sequence change replaces serine with arginine at codon 53 of the ZMYND10 protein (p.Ser53Arg). The serine residue is moderately conserved and there is a moderate physicochemical difference between serine and arginine. This variant is not present in population databases (ExAC no frequency). This variant has not been reported in the literature in individuals with ZMYND10-related conditions. Algorithms developed to predict the effect of missense changes on protein structure and function (SIFT, PolyPhen-2, Align-GVGD) all suggest that this variant is likely to be tolerated, but these predictions have not been confirmed by published functional studies and their clinical significance is uncertain. In summary, the available evidence is currently insufficient to determine the role of this variant in disease. Therefore, it has been classified as a Variant of Uncertain Significance.